The following is an entry in ClinVar:

NM_000292.3(PHKA2):c.3563_3579del (p.Leu1188fs)

Genes: PHKA2 (phosphorylase kinase regulatory subunit alpha 2; minus strand), PHKA2-AS1 (PHKA2 antisense RNA 1; plus strand). Cytogenetic location: Xp22.13.
Variant type: Deletion.
Coding change: c.3563_3579del on transcript NM_000292.3 (MANE Select); coding-DNA positions 3563 to 3579, 17 bases deleted (TGGAGAAAGACCAAGCC).
Protein change: p.Leu1188fs; shifts the reading frame from leucine 1188.
Molecular consequence: frameshift variant.
Genome position (GRCh38, 1-based): chrX:18,893,614-18,893,630, GGCTTGGTCTTTCTCCA deleted on the plus strand (TGGAGAAAGACCAAGCC on the coding strand, the reverse complement: PHKA2 is on the minus strand); deleting any 17 consecutive bases within chrX:18,893,614-18,893,632 gives the same sequence; the c. name uses the placement nearest the transcript's 3' end. VCF-style (leftmost placement, unchanged base first): chrX-18893613-TGGCTTGGTCTTTCTCCA-T. GRCh37 (hg19) VCF-style: chrX-18911731-TGGCTTGGTCTTTCTCCA-T.
Other names: c.3509_3525del, p.Leu1170fs (NM_001440800.1); c.3479_3495del, p.Leu1160fs (NM_001440801.1); c.3464_3480del, p.Leu1155fs (NM_001440802.1); c.3410_3426del, p.Leu1137fs (NM_001440803.1); c.3380_3396del, p.Leu1127fs (NM_001440804.1); c.3587_3603del, p.Leu1196fs (NM_001440805.1); short protein forms L1127fs, L1137fs, L1155fs, L1160fs, L1170fs, L1188fs, L1196fs.
Identifiers: ClinVar variation 5039919 (VCV005039919.1).

ClinVar aggregate classification (germline): Likely pathogenic (1 of 4 stars; one submission).

Submission:

CeGaT Center for Human Genetics Tuebingen
Classification: Likely pathogenic. Last evaluated: 2026-08-01. Review status: criteria provided, single submitter. Criteria: CeGaT Center For Human Genetics Tuebingen Variant Classification Criteria Version 2. Collection method: clinical testing. Allele origin: germline. Affected: yes. Observed: 1 variant allele.
Comment: PHKA2: PVS1:Strong, PM2